The following is an entry in ClinVar:

ClinVar aggregate classification (germline): Uncertain significance (1 of 4 stars; one submission).

Conditions:
Primary ciliary dyskinesia 28. Also called: CILIARY DYSKINESIA, PRIMARY, 28, WITH OR WITHOUT SITUS INVERSUS. Identifiers: Orphanet 244, MedGen C3809706, MONDO:0014216, OMIM 615505.

Allele frequency attached by ClinVar (database versions not stated): ExAC 0.00001.

Submission:

Labcorp Genetics (formerly Invitae), Labcorp
Classification: Uncertain significance for Primary ciliary dyskinesia 28. Last evaluated: 2022-04-13. Review status: criteria provided, single submitter. Criteria: Invitae Variant Classification Sherloc (09022015). Collection method: clinical testing. Allele origin: germline.
Comment: Algorithms developed to predict the effect of missense changes on protein structure and function (SIFT, PolyPhen-2, Align-GVGD) all suggest that this variant is likely to be disruptive. In summary, the available evidence is currently insufficient to determine the role of this variant in disease. Therefore, it has been classified as a Variant of Uncertain Significance. This sequence change replaces asparagine, which is neutral and polar, with threonine, which is neutral and polar, at codon 662 of the SPAG1 protein (p.Asn662Thr). This variant is present in population databases (rs747424398, gnomAD no frequency). This variant has not been reported in the literature in individuals affected with SPAG1-related conditions.

NM_003114.5(SPAG1):c.1985A>C (p.Asn662Thr)

Gene: SPAG1 (sperm associated antigen 1; plus strand). Cytogenetic location: 8q22.2.
Variant type: single nucleotide variant.
Coding change: c.1985A>C on transcript NM_003114.5 (MANE Select); coding-DNA position 1985, A replaced by C.
Protein change: p.Asn662Thr; replaces asparagine 662 with threonine.
Molecular consequence: missense variant.
Genome position (GRCh38, 1-based): chr8:100,231,285, A>C. VCF-style: chr8-100231285-A-C. GRCh37 (hg19) VCF-style: chr8-101243513-A-C.
Other names: c.1985A>C, p.Asn662Thr (NM_001374321.1, NM_172218.3); short protein forms N662T.
Identifiers: ClinVar variation 2125955 (VCV002125955.4), dbSNP rs747424398, ClinGen allele CA4827638.